The following is an entry in ClinVar:

NM_023036.6(DNAI2):c.408C>A (p.Asp136Glu)

Gene: DNAI2 (dynein axonemal intermediate chain 2; plus strand). Cytogenetic location: 17q25.1.
Variant type: single nucleotide variant.
Coding change: c.408C>A on transcript NM_023036.6 (MANE Select); coding-DNA position 408, C replaced by A.
Protein change: p.Asp136Glu; replaces aspartic acid 136 with glutamic acid.
Molecular consequence: missense variant.
Genome position (GRCh38, 1-based): chr17:74,287,039, C>A. VCF-style: chr17-74287039-C-A. GRCh37 (hg19) VCF-style: chr17-72283178-C-A.
Other names: c.408C>A, p.Asp136Glu (NM_001172810.3, NM_001353167.2); c.408C>A (NM_023036.5); short protein forms D136E.
Identifiers: ClinVar variation 643530 (VCV000643530.2), dbSNP rs770624431, ClinGen allele CA400904804.

ClinVar aggregate classification (germline): Uncertain significance. Review status: criteria provided, single submitter (1 of 4 stars). 2 submissions from 2 submitters: Uncertain significance (1). 1 of the submissions does not count toward it. Last evaluated 2018-09-22.

Conditions:
Primary ciliary dyskinesia. Also called: Ciliary dyskinesia. Identifiers: Orphanet 244, MedGen C0008780, MONDO:0016575, HP:0012265.

gnomAD v4.1: 2 of 1,613,814 alleles (0.00012%); highest among the groups gnomAD compares: African/African-American, 0.0027%; no homozygotes.

Submissions (2):

Labcorp Genetics (formerly Invitae), Labcorp
Classification: Uncertain significance for Primary ciliary dyskinesia. Last evaluated: 2018-09-22. Review status: criteria provided, single submitter. Criteria: Invitae Variant Classification Sherloc (09022015). Collection method: clinical testing. Allele origin: germline.
Comment: This sequence change replaces aspartic acid with glutamic acid at codon 136 of the DNAI2 protein (p.Asp136Glu). The aspartic acid residue is highly conserved and there is a small physicochemical difference between aspartic acid and glutamic acid. This variant is not present in population databases (ExAC no frequency). This variant has not been reported in the literature in individuals with DNAI2-related disease. Algorithms developed to predict the effect of missense changes on protein structure and function output the following: SIFT: "Tolerated"; PolyPhen-2: "Benign"; Align-GVGD: "Class C0". The glutamic acid amino acid residue is found in multiple mammalian species, suggesting that this missense change does not adversely affect protein function. These predictions have not been confirmed by published functional studies and their clinical significance is uncertain. In summary, the available evidence is currently insufficient to determine the role of this variant in disease. Therefore, it has been classified as a Variant of Uncertain Significance.

Natera, Inc.
Classification: Uncertain significance for Primary ciliary dyskinesia. Last evaluated: 2025-01-27. Review status: no assertion criteria provided. Collection method: clinical testing. Allele origin: germline. Not counted in ClinVar's aggregate classification.